The following is an entry in ClinVar:

ClinVar aggregate classification (germline): Pathogenic. Review status: no assertion criteria provided (0 of 4 stars). 2 submissions from 2 submitters: Pathogenic (2). Last evaluated 2024-10-15.

Conditions:
Pyruvate dehydrogenase E1-alpha deficiency (PDHAD). Also called: ATAXIA, INTERMITTENT, WITH PYRUVATE DEHYDROGENASE DEFICIENCY; ATAXIA WITH LACTIC ACIDOSIS I; ATAXIA, INTERMITTENT, WITH ABNORMAL PYRUVATE METABOLISM; Ataxia, intermittent, with pyruvate dehydrogenase, or decarboxylase, deficiency. Identifiers: Orphanet 79243, MedGen C1839413, MONDO:0010717, OMIM 312170.

Submissions (2):

PDHA1 Study Group, University Children’s Hospital, Paracelsus Medical University
Classification: Pathogenic for Pyruvate dehydrogenase E1-alpha deficiency. Last evaluated: 2024-10-15. Review status: no assertion criteria provided. Collection method: research. Allele origin: de novo. Affected: yes. Observed: 2 variant alleles.
Comment: The NM_000284.3:c.1100A>T (p.His367Leu) substitution is a missense variant in PDHA1 gene. In total, 2 individuals were diagnosed with PDHA1-related Pyruvate dehydrogenase complex (PDHc) deficiency (MIM #312170). Among them, 2 cases had confirmed de novo occurrence. The variant has been reported in 2 published cases (PMIDs: 31673819). Last literature search: July 12, 2024. This variant is absent or extremely rare in population-based cohorts in the Genome Aggregation Database (gnomAD). Individuals harboring this variant presented with clinical features compatible with PDHA1-related PDHc deficiency. In summary, this variant meets criteria to be classified as pathogenic (P) for PDHA1-related PDHc deficiency based on the ACMG/AMP criteria applied: PS3, PM1, PM2, PM7, PP3 (last assessment October 15, 2024).

OMIM
Classification: Pathogenic for PYRUVATE DEHYDROGENASE E1-ALPHA DEFICIENCY. Last evaluated: 2021-01-13. Review status: no assertion criteria provided. Collection method: literature only. Allele origin: germline.

Literature cited by the submitters: PubMed 31673819 (cited by PDHA1 Study Group, University Children’s Hospital, Paracelsus Medical University and OMIM); DOI 10.1093/brain/awaf430 (cited by PDHA1 Study Group, University Children’s Hospital, Paracelsus Medical University).

NM_000284.4(PDHA1):c.1100A>T (p.His367Leu)

Gene: PDHA1 (pyruvate dehydrogenase E1 subunit alpha 1; plus strand). Cytogenetic location: Xp22.12.
Variant type: single nucleotide variant.
Coding change: c.1100A>T on transcript NM_000284.4 (MANE Select); coding-DNA position 1100, A replaced by T.
Protein change: p.His367Leu; replaces histidine 367 with leucine.
Molecular consequence: missense variant.
Genome position (GRCh38, 1-based): chrX:19,359,580, A>T. VCF-style: chrX-19359580-A-T. GRCh37 (hg19) VCF-style: chrX-19377698-A-T.
Other names: H367L; c.1214A>T, p.His405Leu (NM_001173454.2); c.1121A>T, p.His374Leu (NM_001173455.2); c.1007A>T, p.His336Leu (NM_001173456.2); short protein forms H336L, H374L, H405L.
Identifiers: ClinVar variation 992815 (VCV000992815.3), dbSNP rs1131691584, ClinGen allele CA412396868.
Genomic context (GRCh38, chrX:19,359,580, plus strand): 5'-AGGATGCTGCCCAGTTTGCCACGGCCGATCCTGAGCCACCTTTGGAAGAGCTGGGCTACC[A>T]CATCTACTCCAGCGACCCACCTTTTGAAGTTCGTGGTGCCAATCAGTGGATCAAGTTTAA-3'
Protein context (NP_000275.1, residues 357-377): PEPPLEELGY[His367Leu]IYSSDPPFEV